The following is an entry in ClinVar:

ClinVar aggregate classification (germline): Likely benign (1 of 4 stars; one submission).

gnomAD v4.1: 5 of 1,611,668 alleles (0.00031%); highest among the groups gnomAD compares: East Asian, 0.0067%; no homozygotes.

Submission:

GeneDx
Classification: Likely benign. Last evaluated: 2016-09-15. Review status: criteria provided, single submitter. Criteria: GeneDx Variant Classification (06012015). Collection method: clinical testing. Allele origin: germline. Affected: yes.
Comment: This variant is considered likely benign or benign based on one or more of the following criteria: it is a conservative change, it occurs at a poorly conserved position in the protein, it is predicted to be benign by multiple in silico algorithms, and/or has population frequency not consistent with disease.

NM_001134407.3(GRIN2A):c.468G>T (p.Thr156=)

Gene: GRIN2A (glutamate ionotropic receptor NMDA type subunit 2A; minus strand). Cytogenetic location: 16p13.2.
Variant type: single nucleotide variant.
Coding change: c.468G>T on transcript NM_001134407.3 (MANE Select); coding-DNA position 468, G replaced by T.
Protein change: p.Thr156=; no amino-acid change (threonine 156 retained).
Molecular consequence: synonymous variant.
Genome position (GRCh38, 1-based): chr16:9,938,498, C>A on the plus strand (G>T on the coding strand, the complement: GRIN2A is on the minus strand). VCF-style: chr16-9938498-C-A. GRCh37 (hg19) VCF-style: chr16-10032355-C-A.
Other names: c.468G>T, p.Thr156= (NM_000833.5, NM_001134408.2).
Identifiers: ClinVar variation 389321 (VCV000389321.1), dbSNP rs773513210, ClinGen allele CA16607167.
Genomic context (GRCh38, chr16:9,938,498, plus strand): 5'-GATAGTGGTCACCAGGGAGAAGACATGCCAGTCATAATCCTGCATGATCTTCAGCATGAC[C>A]GTGGCTTGCTGCTGGATGGACGCTCCAAACTGGAAGAAGGTAGACGTCGGATCCTGCCAG-3'
Protein context (NP_001127879.1, residues 146-166): QFGASIQQQA[Thr156=]VMLKIMQDYD